The following is an entry in ClinVar:

ClinVar aggregate classification (germline): Uncertain significance (1 of 4 stars; one submission).

Conditions:
Distal hereditary motor neuropathy type 2. Identifiers: Orphanet 139525, MedGen C3711384, MeSH C580044, MONDO:0015352.

Submission:

Labcorp Genetics (formerly Invitae), Labcorp
Classification: Uncertain significance for Distal hereditary motor neuropathy type 2. Last evaluated: 2023-07-25. Review status: criteria provided, single submitter. Criteria: Invitae Variant Classification Sherloc (09022015). Collection method: clinical testing. Allele origin: germline.
Comment: This sequence change replaces leucine, which is neutral and non-polar, with phenylalanine, which is neutral and non-polar, at codon 307 of the FBXO38 protein (p.Leu307Phe). This variant is not present in population databases (gnomAD no frequency). This variant has not been reported in the literature in individuals affected with FBXO38-related conditions. Advanced modeling of protein sequence and biophysical properties (such as structural, functional, and spatial information, amino acid conservation, physicochemical variation, residue mobility, and thermodynamic stability) has been performed at Invitae for this missense variant, however the output from this modeling did not meet the statistical confidence thresholds required to predict the impact of this variant on FBXO38 protein function. In summary, the available evidence is currently insufficient to determine the role of this variant in disease. Therefore, it has been classified as a Variant of Uncertain Significance.

NM_205836.3(FBXO38):c.919C>T (p.Leu307Phe)

Gene: FBXO38 (F-box protein 38; plus strand). Cytogenetic location: 5q32.
Variant type: single nucleotide variant.
Coding change: c.919C>T on transcript NM_205836.3 (MANE Select); coding-DNA position 919, C replaced by T.
Protein change: p.Leu307Phe; replaces leucine 307 with phenylalanine.
Molecular consequence: missense variant.
Genome position (GRCh38, 1-based): chr5:148,409,174, C>T. VCF-style: chr5-148409174-C-T. GRCh37 (hg19) VCF-style: chr5-147788737-C-T.
Other names: c.919C>T, p.Leu307Phe (NM_001271723.2, NM_030793.5); short protein forms L307F.
Identifiers: ClinVar variation 2746868 (VCV002746868.3), dbSNP rs2531735215, ClinGen allele CA361657134.